The following is an entry in ClinVar:

ClinVar aggregate classification (germline): Likely benign (1 of 4 stars; one submission).

Allele frequency attached by ClinVar (database versions not stated): TOPMed below 0.00001; gnomAD exomes 0.00001.
gnomAD v4.1: 8 of 1,535,134 alleles (0.00052%); highest among the groups gnomAD compares: Non-Finnish European, 0.00061%; no homozygotes.

Submission:

CeGaT Center for Human Genetics Tuebingen
Classification: Likely benign. Last evaluated: 2026-08-01. Review status: criteria provided, single submitter. Criteria: CeGaT Center For Human Genetics Tuebingen Variant Classification Criteria Version 2. Collection method: clinical testing. Allele origin: germline. Affected: yes. Observed: 2 variant alleles.
Comment: CDK13: PM2, BS2

NM_003718.5(CDK13):c.869C>T (p.Pro290Leu)

Gene: CDK13 (cyclin dependent kinase 13; plus strand). Cytogenetic location: 7p14.1.
Variant type: single nucleotide variant.
Coding change: c.869C>T on transcript NM_003718.5 (MANE Select); coding-DNA position 869, C replaced by T.
Protein change: p.Pro290Leu; replaces proline 290 with leucine.
Molecular consequence: missense variant.
Genome position (GRCh38, 1-based): chr7:39,951,510, C>T. VCF-style: chr7-39951510-C-T. GRCh37 (hg19) VCF-style: chr7-39991109-C-T.
Other names: c.869C>T, p.Pro290Leu (NM_031267.4); short protein forms P290L.
Identifiers: ClinVar variation 1335664 (VCV001335664.35), dbSNP rs923708985, ClinGen allele CA157707215.